The following is an entry in ClinVar:

NM_005883.3(APC2):c.1778C>T (p.Ser593Leu)

Gene: APC2 (APC regulator of WNT signaling pathway 2; plus strand). Cytogenetic location: 19p13.3.
Variant type: single nucleotide variant.
Coding change: c.1778C>T on transcript NM_005883.3 (MANE Select); coding-DNA position 1778, C replaced by T.
Protein change: p.Ser593Leu; replaces serine 593 with leucine.
Molecular consequence: missense variant.
Genome position (GRCh38, 1-based): chr19:1,462,102, C>T. VCF-style: chr19-1462102-C-T. GRCh37 (hg19) VCF-style: chr19-1462101-C-T.
Other names: c.1775C>T, p.Ser592Leu (NM_001351273.1); short protein forms S592L, S593L.
Identifiers: ClinVar variation 1690984 (VCV001690984.5), dbSNP rs750829429, ClinGen allele CA9045275.

ClinVar aggregate classification (germline): Uncertain significance. Review status: criteria provided, multiple submitters, no conflicts (2 of 4 stars). 3 submissions from 3 submitters: Uncertain significance (3). Last evaluated 2024-07-30.

Conditions:
Intellectual developmental disorder, autosomal recessive 74 (MRT74). Also called: Sotos syndrome 3. Identifiers: MedGen C4310684, MONDO:0014951, OMIM 617169.

Allele frequency attached by ClinVar (database versions not stated): TOPMed 0.00003; gnomAD exomes 0.00005; ExAC 0.00008.

Submissions (3):

Department of Human Genetics, Hannover Medical School
Classification: Uncertain significance for Intellectual developmental disorder, autosomal recessive 74. Last evaluated: 2024-07-30. Review status: criteria provided, single submitter. Criteria: ACMG Guidelines, 2015. Collection method: clinical testing. Allele origin: germline. Inheritance: Autosomal recessive inheritance. Affected: yes.

Labcorp Genetics (formerly Invitae), Labcorp
Classification: Uncertain significance. Last evaluated: 2022-04-12. Review status: criteria provided, single submitter. Criteria: Invitae Variant Classification Sherloc (09022015). Collection method: clinical testing. Allele origin: germline.
Comment: This sequence change replaces serine, which is neutral and polar, with leucine, which is neutral and non-polar, at codon 593 of the APC2 protein (p.Ser593Leu). This variant is present in population databases (rs750829429, gnomAD 0.02%). This variant has not been reported in the literature in individuals affected with APC2-related conditions. Algorithms developed to predict the effect of missense changes on protein structure and function are either unavailable or do not agree on the potential impact of this missense change (SIFT: "Deleterious"; PolyPhen-2: "Benign"; Align-GVGD: "Class C0"). In summary, the available evidence is currently insufficient to determine the role of this variant in disease. Therefore, it has been classified as a Variant of Uncertain Significance.

Laboratorio de Genetica e Diagnostico Molecular, Hospital Israelita Albert Einstein
Classification: Uncertain significance. Last evaluated: 2019-06-05. Review status: criteria provided, single submitter. Criteria: ACMG Guidelines, 2015. Collection method: clinical testing. Allele origin: germline. Affected: yes.
Comment: ACMG classification criteria: PM2, PP3